The following is an entry in ClinVar:

ClinVar aggregate classification (germline): Benign. Review status: criteria provided, multiple submitters, no conflicts (2 of 4 stars). 6 submissions from 6 submitters: Benign (6). Last evaluated 2026-02-04.

Allele frequency attached by ClinVar (database versions not stated): ESP Exome Variant Server 0.06468; gnomAD 0.06817 and 0.07276; TOPMed 0.06878; 1000 Genomes Project 0.10104.
gnomAD v4.1: 143,293 of 1,609,484 alleles (8.9%); highest among the groups gnomAD compares: East Asian, 18%; 7,480 homozygotes.

Submissions (6):

Labcorp Genetics (formerly Invitae), Labcorp
Classification: Benign. Last evaluated: 2026-02-04. Review status: criteria provided, single submitter. Criteria: Invitae Variant Classification Sherloc (09022015). Collection method: clinical testing. Allele origin: germline.

Blueprint Genetics
Classification: Benign. Last evaluated: 2024-11-27. Review status: criteria provided, single submitter. Criteria: ACMG Guidelines, 2015. Collection method: clinical testing. Allele origin: germline.

Mayo Clinic Laboratories, Mayo Clinic
Classification: Benign. Last evaluated: 2022-09-30. Review status: criteria provided, single submitter. Criteria: ACMG Guidelines, 2015. Collection method: clinical testing. Allele origin: germline. Observed: 27 variant alleles.
Comment: BA1

GeneDx
Classification: Benign. Last evaluated: 2018-11-07. Review status: criteria provided, single submitter. Criteria: GeneDx Variant Classification Process June 2021. Collection method: clinical testing. Allele origin: germline. Affected: yes.
Comment: This variant is associated with the following publications: (PMID: 22387237, 18480181, 21344632, 16358215, 27939817, 28095294)

Laboratory for Molecular Medicine, Mass General Brigham Personalized Medicine
Classification: Benign. Last evaluated: 2016-03-21. Review status: criteria provided, single submitter. Criteria: LMM Criteria. Collection method: clinical testing. Allele origin: germline. Observed: 1 variant allele.
Comment: p.Arg67His in exon 4 of SLC34A3: This variant is not expected to have clinical s ignificance because it has been identified in 21.63% (1799/8318) of East Asian c hromosomes by the Exome Aggregation Consortium (ExAC .org; dbSNP rs34372115).

Breakthrough Genomics
Classification: Benign. Review status: criteria provided, single submitter. Criteria: ACMG Guidelines, 2015. Collection method: not provided. Allele origin: germline. Inheritance: Autosomal recessive inheritance. Affected: yes.

NM_001177316.2(SLC34A3):c.200G>A (p.Arg67His)

Gene: SLC34A3 (solute carrier family 34 member 3; plus strand). Cytogenetic location: 9q34.3.
Variant type: single nucleotide variant.
Coding change: c.200G>A on transcript NM_001177316.2 (MANE Select); coding-DNA position 200, G replaced by A.
Protein change: p.Arg67His; replaces arginine 67 with histidine.
Molecular consequence: missense variant.
Genome position (GRCh38, 1-based): chr9:137,232,599, G>A. VCF-style: chr9-137232599-G-A. GRCh37 (hg19) VCF-style: chr9-140127051-G-A.
Other names: c.200G>A, p.Arg67His (NM_001177317.2, NM_080877.3); short protein forms R67H.
Identifiers: ClinVar variation 504911 (VCV000504911.19), dbSNP rs34372115, ClinGen allele CA5364272.